The following is an entry in ClinVar:

NC_000017.10:g.(?_41267737)_(41276119_?)dup

Genes: BRCA1 (BRCA1 DNA repair associated; minus strand), LOC110485084 (BRCA1 intronic recombination region; plus strand), LOC111589216 (BRCA1 intron 2 regulatory region; plus strand). Cytogenetic location: 17q21.31.
Variant type: Duplication.
Identifiers: ClinVar variation 531581 (VCV000531581.2).

ClinVar aggregate classification (germline): Uncertain significance (1 of 4 stars; one submission).

Conditions:
Hereditary breast ovarian cancer syndrome. Also called: Hereditary breast and ovarian cancer syndrome (HBOC); BRCA1- and BRCA2-Associated Hereditary Breast and Ovarian Cancer; Hereditary breast and ovarian cancer syndrome; Breast and ovarian cancer; Hereditary breast and ovarian cancer; Hereditary breast and/or ovarian cancer syndrome. Identifiers: Orphanet 145, MedGen C0677776, MeSH D061325, MONDO:0003582. Disease mechanism: loss of function.

Submission:

Labcorp Genetics (formerly Invitae), Labcorp
Classification: Uncertain significance for Hereditary breast ovarian cancer syndrome. Last evaluated: 2017-11-03. Review status: criteria provided, single submitter. Criteria: Invitae Variant Classification Sherloc (09022015). Collection method: clinical testing. Allele origin: germline.
Comment: This variant is a gross duplication of the genomic region encompassing exons 2-3 of the BRCA1 gene. The 5' end of this event is unknown as it extends beyond the assayed region for this gene and therefore may encompass additional genes. The 3' boundary is likely confined to intron 3 of the BRCA1 gene. The exact location of this variant in the genome is unknown. This variant has not been reported in the literature in individuals with BRCA1-related disease. In summary, the available evidence is currently insufficient to determine the role of this variant in disease. Therefore, it has been classified as a Variant of Uncertain Significance.